The following is an entry in ClinVar:

ClinVar aggregate classification (germline): Conflicting classifications of pathogenicity. Review status: criteria provided, conflicting classifications (1 of 4 stars). 3 submissions from 3 submitters: Uncertain significance (1); Likely benign (1). 1 of the submissions does not count toward it. Last evaluated 2025-09-22.

Conditions:
Leber congenital amaurosis 8 (LCA8). Identifiers: Orphanet 65, MedGen C3151202, MONDO:0013453, OMIM 613835.
Retinitis pigmentosa 12 (RP12). Also called: RP WITH OR WITHOUT PRESERVED PARAARTERIOLE RETINAL PIGMENT EPITHELIUM; RETINITIS PIGMENTOSA WITH OR WITHOUT PARAARTERIOLAR PRESERVATION OF RETINAL PIGMENT EPITHELIUM; RP WITH OR WITHOUT PPRPE. Identifiers: Orphanet 791, MedGen C1838647, MONDO:0010818, OMIM 600105.
CRB1-related disorder. Also called: CRB1-related condition; CRB1-related disorders.

Allele frequency attached by ClinVar (database versions not stated): gnomAD exomes 0.00001 and 0.00002; TOPMed 0.00001; gnomAD 0.00002.
gnomAD v4.1: 9 of 1,613,788 alleles (0.00056%); highest among the groups gnomAD compares: Admixed American, 0.013%; no homozygotes.

Submissions (3):

Labcorp Genetics (formerly Invitae), Labcorp
Classification: Likely benign for Leber congenital amaurosis 8; Retinitis pigmentosa 12. Last evaluated: 2025-09-22. Review status: criteria provided, single submitter. Criteria: Invitae Variant Classification Sherloc (09022015). Collection method: clinical testing. Allele origin: germline.

Blueprint Genetics
Classification: Uncertain significance. Last evaluated: 2021-06-14. Review status: criteria provided, single submitter. Criteria: ACMG Guidelines, 2015. Collection method: clinical testing. Allele origin: germline.

PreventionGenetics, part of Exact Sciences
Classification: Likely benign for CRB1-related condition. Last evaluated: 2024-09-10. Review status: no assertion criteria provided. Collection method: clinical testing. Allele origin: germline. Not counted in ClinVar's aggregate classification.
Comment: This variant is classified as likely benign based on ACMG/AMP sequence variant interpretation guidelines (Richards et al. 2015 PMID: 25741868, with internal and published modifications).

NM_201253.3(CRB1):c.4125T>C (p.Thr1375=)

Gene: CRB1 (crumbs cell polarity complex component 1; plus strand). Cytogenetic location: 1q31.3.
Variant type: single nucleotide variant.
Coding change: c.4125T>C on transcript NM_201253.3 (MANE Select); coding-DNA position 4125, T replaced by C.
Protein change: p.Thr1375=; no amino-acid change (threonine 1375 retained).
Molecular consequence: synonymous variant. On other transcripts: non-coding transcript variant (2).
Genome position (GRCh38, 1-based): chr1:197,477,783, T>C. VCF-style: chr1-197477783-T-C. GRCh37 (hg19) VCF-style: chr1-197446913-T-C.
Other names: c.3789T>C, p.Thr1263= (NM_001193640.2); c.4053T>C, p.Thr1351= (NM_001257965.2); c.2517T>C, p.Thr839= (NM_001257966.2); c.4125T>C (NM_201253.2).
Identifiers: ClinVar variation 1114428 (VCV001114428.11), dbSNP rs1459964782, ClinGen allele CA422677559.